The following is an entry in ClinVar:

ClinVar aggregate classification (germline): Uncertain significance (1 of 4 stars; one submission).

Conditions:
Marfan syndrome (MFS). Also called: MARFAN SYNDROME, TYPE I; Marfan syndrome type 1; Marfan's syndrome; Marfan syndrome, classic; FBN1-Related Marfan Syndrome. Identifiers: Orphanet 284963, Orphanet 558, MedGen C0024796, MONDO:0007947, OMIM 154700.

Submission:

All of Us Research Program, National Institutes of Health
Classification: Uncertain significance for Marfan syndrome. Last evaluated: 2023-08-28. Review status: criteria provided, single submitter. Criteria: ACMG Guidelines, 2015. Collection method: clinical testing. Allele origin: germline. Inheritance: Autosomal dominant inheritance. Observed: 2 variant alleles, 2 heterozygotes.
Comment: This variant causes a T to A nucleotide substitution at the -5 position of intron 32 of the FBN1 gene. To our knowledge, functional studies have not been reported for this variant. This variant has not been reported in individuals affected with FBN1-related disorders in the literature. This variant has not been identified in the general population by the Genome Aggregation Database (gnomAD). The available evidence is insufficient to determine the role of this variant in disease conclusively. Therefore, this variant is classified as a Variant of Uncertain Significance.

This study involves interpretation of variants in research participants for the purpose of population health screening. Participant phenotype was not available at the time of variant classification. Additional details can be found in publication PMID: 35346344, PMCID: PMC8962531

NM_000138.5(FBN1):c.3965-5T>A

Gene: FBN1 (fibrillin 1; minus strand). Cytogenetic location: 15q21.1.
Variant type: single nucleotide variant.
Coding change: c.3965-5T>A on transcript NM_000138.5 (MANE Select); 5 bases into the intron before coding-DNA position 3965, T replaced by A.
Molecular consequence: intron variant.
Genome position (GRCh38, 1-based): chr15:48,474,655, A>T on the plus strand (T>A on the coding strand, the complement: FBN1 is on the minus strand). VCF-style: chr15-48474655-A-T. GRCh37 (hg19) VCF-style: chr15-48766852-A-T.
Other names: c.3965-5T>A (NM_001406716.1).
Identifiers: ClinVar variation 3070065 (VCV003070065.1), dbSNP rs1566906567, ClinGen allele CA2825002286.
Genomic context (GRCh38, chr15:48,474,655, plus strand): 5'-GGTACATACAGCATGTTTGCCACAGTTGTGTGCTCCAATTTCACATTCATTGATGTCTGG[A>T]AAAATGAGCAGTGATTTAGAAAAAGGCTCAGCACAAATGTCTTTTGGTTTTTAAAATAAG-3'